The following is an entry in ClinVar:

NM_006904.7(PRKDC):c.3753G>T (p.Gln1251His)

Gene: PRKDC (protein kinase, DNA-activated, catalytic subunit; minus strand). Cytogenetic location: 8q11.21.
Variant type: single nucleotide variant.
Coding change: c.3753G>T on transcript NM_006904.7 (MANE Select); coding-DNA position 3753, G replaced by T.
Protein change: p.Gln1251His; replaces glutamine 1251 with histidine.
Molecular consequence: missense variant.
Genome position (GRCh38, 1-based): chr8:47,893,233, C>A on the plus strand (G>T on the coding strand, the complement: PRKDC is on the minus strand). VCF-style: chr8-47893233-C-A. GRCh37 (hg19) VCF-style: chr8-48805794-C-A.
Other names: c.3753G>T, p.Gln1251His (NM_001081640.2); short protein forms Q1251H.
Identifiers: ClinVar variation 3225849 (VCV003225849.1), dbSNP rs1279754974, ClinGen allele CA371150412.

ClinVar aggregate classification (germline): Uncertain significance (1 of 4 stars; one submission).

Submission:

Ambry Genetics
Classification: Uncertain significance. Last evaluated: 2024-02-09. Review status: criteria provided, single submitter. Criteria: Ambry Variant Classification Scheme 2023. Collection method: clinical testing. Allele origin: germline.
Comment: The p.Q1251H variant (also known as c.3753G>T), located in coding exon 31 of the PRKDC gene, results from a G to T substitution at nucleotide position 3753. The glutamine at codon 1251 is replaced by histidine, an amino acid with highly similar properties. This amino acid position is conserved. In addition, this alteration is predicted to be tolerated by in silico analysis. Based on the available evidence, the clinical significance of this alteration remains unclear.